The following is an entry in ClinVar:

ClinVar aggregate classification (germline): Uncertain significance. Review status: criteria provided, multiple submitters, no conflicts (2 of 4 stars). 2 submissions from 2 submitters: Uncertain significance (2). Last evaluated 2025-06-09.

Allele frequency attached by ClinVar (database versions not stated): ExAC 0.00001; gnomAD 0.00004; TOPMed 0.00008.
gnomAD v4.1: 154 of 1,610,942 alleles (0.0096%); highest among the groups gnomAD compares: Non-Finnish European, 0.012%; no homozygotes.

Submissions (2):

Ambry Genetics
Classification: Uncertain significance. Last evaluated: 2025-06-09. Review status: criteria provided, single submitter. Criteria: Ambry Variant Classification Scheme 2023. Collection method: clinical testing. Allele origin: germline.

Labcorp Genetics (formerly Invitae), Labcorp
Classification: Uncertain significance. Last evaluated: 2023-11-18. Review status: criteria provided, single submitter. Criteria: Invitae Variant Classification Sherloc (09022015). Collection method: clinical testing. Allele origin: germline.
Comment: This sequence change replaces glycine, which is neutral and non-polar, with arginine, which is basic and polar, at codon 1355 of the FBN3 protein (p.Gly1355Arg). This variant is present in population databases (rs752190396, gnomAD 0.02%). This variant has not been reported in the literature in individuals affected with FBN3-related conditions. ClinVar contains an entry for this variant (Variation ID: 2465017). Advanced modeling of protein sequence and biophysical properties (such as structural, functional, and spatial information, amino acid conservation, physicochemical variation, residue mobility, and thermodynamic stability) performed at Invitae indicates that this missense variant is expected to disrupt FBN3 protein function with a positive predictive value of 80%. In summary, the available evidence is currently insufficient to determine the role of this variant in disease. Therefore, it has been classified as a Variant of Uncertain Significance.

NM_032447.5(FBN3):c.4063G>A (p.Gly1355Arg)

Gene: FBN3 (fibrillin 3; minus strand). Cytogenetic location: 19p13.2.
Variant type: single nucleotide variant.
Coding change: c.4063G>A on transcript NM_032447.5 (MANE Select); coding-DNA position 4063, G replaced by A.
Protein change: p.Gly1355Arg; replaces glycine 1355 with arginine.
Molecular consequence: missense variant.
Genome position (GRCh38, 1-based): chr19:8,111,669, C>T on the plus strand (G>A on the coding strand, the complement: FBN3 is on the minus strand). VCF-style: chr19-8111669-C-T. GRCh37 (hg19) VCF-style: chr19-8176553-C-T.
Other names: c.4063G>A, p.Gly1355Arg (NM_001321431.2); short protein forms G1355R.
Identifiers: ClinVar variation 2465017 (VCV002465017.6), dbSNP rs752190396, ClinGen allele CA9152211.